The following is an entry in ClinVar:

NM_024422.6(DSC2):c.296C>T (p.Ser99Phe)

Gene: DSC2 (desmocollin 2; minus strand). Cytogenetic location: 18q12.1.
Variant type: single nucleotide variant.
Coding change: c.296C>T on transcript NM_024422.6 (MANE Select); coding-DNA position 296, C replaced by T.
Protein change: p.Ser99Phe; replaces serine 99 with phenylalanine.
Molecular consequence: missense variant. On other transcripts: 5 prime UTR variant (2).
Genome position (GRCh38, 1-based): chr18:31,092,159, G>A on the plus strand (C>T on the coding strand, the complement: DSC2 is on the minus strand). VCF-style: chr18-31092159-G-A. GRCh37 (hg19) VCF-style: chr18-28672122-G-A.
Other names: c.296C>T (NM_024422.3); c.-134C>T (NM_001406506.1, NM_001406507.1); c.296C>T, p.Ser99Phe (NM_004949.5); short protein forms S99F.
Identifiers: ClinVar variation 2722466 (VCV002722466.7), dbSNP rs1191093439, ClinGen allele CA402114688.

ClinVar aggregate classification (germline): Uncertain significance. Review status: criteria provided, multiple submitters, no conflicts (2 of 4 stars). 4 submissions from 4 submitters: Uncertain significance (4). Last evaluated 2025-07-30.

Conditions:
Cardiovascular phenotype. Identifiers: MedGen CN230736.
Cardiomyopathy (CMYO). Also called: Cardiomyopathies. Identifiers: Orphanet 167848, MedGen C0878544, MONDO:0004994, HP:0001638. Inheritance: Various modes of inheritance.
Arrhythmogenic right ventricular dysplasia 11. Also called: ARRHYTHMOGENIC RIGHT VENTRICULAR DYSPLASIA, FAMILIAL, 11; Arrhythmogenic Right Ventricular Dysplasia/Cardiomyopathy11; Arrhythmogenic right ventricular dysplasia 11 with mild palmoplantar keratoderma and woolly hair. Identifiers: MedGen C1864850, MONDO:0012506, OMIM 610476.

gnomAD v4.1: 3 of 1,613,282 alleles (0.00019%); highest among the groups gnomAD compares: Admixed American, 0.0017%; no homozygotes.

Submissions (4):

Labcorp Genetics (formerly Invitae), Labcorp
Classification: Uncertain significance for Arrhythmogenic right ventricular dysplasia 11. Last evaluated: 2025-07-30. Review status: criteria provided, single submitter. Criteria: Invitae Variant Classification Sherloc (09022015). Collection method: clinical testing. Allele origin: germline.
Comment: This sequence change replaces serine, which is neutral and polar, with phenylalanine, which is neutral and non-polar, at codon 99 of the DSC2 protein (p.Ser99Phe). The frequency data for this variant in the population databases is considered unreliable, as metrics indicate poor data quality at this position in the gnomAD database. This variant has not been reported in the literature in individuals affected with DSC2-related conditions. ClinVar contains an entry for this variant (Variation ID: 2722466). Invitae Evidence Modeling of protein sequence and biophysical properties (such as structural, functional, and spatial information, amino acid conservation, physicochemical variation, residue mobility, and thermodynamic stability) indicates that this missense variant is not expected to disrupt DSC2 protein function with a negative predictive value of 80%. In summary, the available evidence is currently insufficient to determine the role of this variant in disease. Therefore, it has been classified as a Variant of Uncertain Significance.

Color Diagnostics, LLC DBA Color Health
Classification: Uncertain significance for Cardiomyopathy. Last evaluated: 2025-07-28. Review status: criteria provided, single submitter. Criteria: ACMG Guidelines, 2015. Collection method: clinical testing. Allele origin: germline.
Comment: This missense variant replaces serine with phenylalanine at codon 99 of the DSC2 protein. Computational prediction suggests that this variant may not impact protein structure and function. To our knowledge, functional studies have not been reported for this variant. This variant has not been reported in individuals affected with DSC2-related disorders in the literature. This variant has been identified in 1/250870 chromosomes in the general population by the Genome Aggregation Database (gnomAD). The available evidence is insufficient to determine the role of this variant in disease conclusively. Therefore, this variant is classified as a Variant of Uncertain Significance.

Ambry Genetics
Classification: Uncertain significance for Cardiovascular phenotype. Last evaluated: 2025-05-13. Review status: criteria provided, single submitter. Criteria: Ambry Variant Classification Scheme 2023. Collection method: clinical testing. Allele origin: germline.

Dasa
Classification: Uncertain significance. Last evaluated: 2025-01-12. Review status: criteria provided, single submitter. Criteria: DASA Assertion Criteria. Collection method: clinical testing. Allele origin: germline.
Comment: NM_024422.6(DSC2):c.296C>T (p.Ser99Phe) is a missense variant that results in the substitution of serine with phenylalanine. This variant is rare in population databases. Computational prediction algorithms are consistent with a benign effect. The currently available literature and clinical evidence are not sufficient to establish a definitive association between this variant and the reported condition. Therefore, this variant is classified as a variant of uncertain significance.